The following is an entry in ClinVar:

ClinVar aggregate classification (germline): Pathogenic/Likely pathogenic. Review status: criteria provided, multiple submitters, no conflicts (2 of 4 stars). 2 submissions from 2 submitters: Pathogenic (1); Likely pathogenic (1). Last evaluated 2024-04-05.

Conditions:
Autosomal recessive limb-girdle muscular dystrophy type 2J (LGMDR10). Also called: Limb-girdle muscular dystrophy, type 2J; MUSCULAR DYSTROPHY, LIMB-GIRDLE, AUTOSOMAL RECESSIVE 10. Identifiers: Orphanet 140922, MedGen C1837342, MONDO:0012127, OMIM 608807.
Dilated cardiomyopathy 1G (CMD1G). Identifiers: Orphanet 154, MedGen C1858763, MONDO:0011400, OMIM 604145.

Submissions (2):

Labcorp Genetics (formerly Invitae), Labcorp
Classification: Likely pathogenic for Dilated cardiomyopathy 1G; Autosomal recessive limb-girdle muscular dystrophy type 2J. Last evaluated: 2024-04-05. Review status: criteria provided, single submitter. Criteria: Invitae Variant Classification Sherloc (09022015). Collection method: clinical testing. Allele origin: germline.
Comment: This sequence change creates a premature translational stop signal (p.Ser35784*) in the TTN gene. While this is not anticipated to result in nonsense mediated decay, it is expected to create a truncated TTN protein. This variant is not present in population databases (gnomAD no frequency). This variant has not been reported in the literature in individuals affected with TTN-related conditions. ClinVar contains an entry for this variant (Variation ID: 813975). This variant is located in the M band of TTN (PMID: 25589632). Truncating variants in this region have been previously reported in individuals affected with autosomal recessive myopathy and muscular dystrophy (PMID: 18948003, 23975875, 24395473). Truncating variants in this region have also been identified in individuals affected with autosomal dominant dilated cardiomyopathy and/or cardio-related conditions (PMID: 27869827, 32964742, Invitae internal data). In summary, the currently available evidence indicates that the variant is pathogenic, but additional data are needed to prove that conclusively. Therefore, this variant has been classified as Likely Pathogenic.

Broad Center for Mendelian Genomics, Broad Institute of MIT and Harvard
Classification: Pathogenic for Autosomal recessive limb-girdle muscular dystrophy type 2J. Last evaluated: 2018-12-03. Review status: criteria provided, single submitter. Criteria: ACMG Guidelines, 2015. Collection method: research. Allele origin: germline. Inheritance: Autosomal recessive inheritance. Affected: yes.
Comment: The presence of this variant in combination with a pathogenic variant and in an individual with LGMD increases the likelihood that the p.Ser35784Ter variant is pathogenic. This variant was absent from large population studies. This nonsense variant leads to a premature termination codon at position 35784, which is predicted to lead to a truncated or absent protein. Loss of function of the TTN gene is an established disease mechanism in autosomal recessive LGMD. In summary, this variant meets criteria to be classified as pathogenic for LGMD in an autosomal recessive manner based on the predicted impact of the variant and the presence of a pathogenic variant in an individual with LGMD. ACMG/AMP Criteria applied: PM2, PVS1, PM3 (Richards 2015).

Literature cited by the submitters: PubMed 25589632 (cited by Labcorp Genetics (formerly Invitae), Labcorp); PubMed 18948003 (cited by Labcorp Genetics (formerly Invitae), Labcorp); PubMed 23975875 (cited by Labcorp Genetics (formerly Invitae), Labcorp); PubMed 24395473 (cited by Labcorp Genetics (formerly Invitae), Labcorp); PubMed 27869827 (cited by Labcorp Genetics (formerly Invitae), Labcorp); PubMed 32964742 (cited by Labcorp Genetics (formerly Invitae), Labcorp).

NM_001267550.2(TTN):c.107351C>G (p.Ser35784Ter)

Genes: TTN (titin; minus strand), TTN-AS1 (TTN antisense RNA 1; plus strand). Cytogenetic location: 2q31.2.
Variant type: single nucleotide variant.
Coding change: c.107351C>G on transcript NM_001267550.2 (MANE Select); coding-DNA position 107351, C replaced by G.
Protein change: p.Ser35784Ter; replaces serine 35784 with a stop codon.
Molecular consequence: nonsense.
Genome position (GRCh38, 1-based): chr2:178,528,300, G>C on the plus strand (C>G on the coding strand, the complement: TTN is on the minus strand). VCF-style: chr2-178528300-G-C. GRCh37 (hg19) VCF-style: chr2-179393027-G-C.
Other names: c.102428C>G, p.Ser34143Ter (NM_001256850.1); c.80156C>G, p.Ser26719Ter (NM_003319.4); c.99647C>G, p.Ser33216Ter (NM_133378.4); c.80531C>G, p.Ser26844Ter (NM_133432.3); c.80732C>G, p.Ser26911Ter (NM_133437.4); short protein forms S26719*, S26844*, S33216*, S35784*, S26911*, S34143*.
Identifiers: ClinVar variation 813975 (VCV000813975.4), dbSNP rs1575185742, ClinGen allele CA349401258.